The following is an entry in ClinVar:

NM_000138.5(FBN1):c.2176G>C (p.Glu726Gln)

Gene: FBN1 (fibrillin 1; minus strand). Cytogenetic location: 15q21.1.
Variant type: single nucleotide variant.
Coding change: c.2176G>C on transcript NM_000138.5 (MANE Select); coding-DNA position 2176, G replaced by C.
Protein change: p.Glu726Gln; replaces glutamic acid 726 with glutamine.
Molecular consequence: missense variant.
Genome position (GRCh38, 1-based): chr15:48,497,383, C>G on the plus strand (G>C on the coding strand, the complement: FBN1 is on the minus strand). VCF-style: chr15-48497383-C-G. GRCh37 (hg19) VCF-style: chr15-48789580-C-G.
Other names: short protein forms E726Q.
Identifiers: ClinVar variation 1465947 (VCV001465947.8), dbSNP rs2141306581, ClinGen allele CA392335906.

ClinVar aggregate classification (germline): Pathogenic (1 of 4 stars; one submission).

Conditions:
Marfan syndrome (MFS). Also called: MARFAN SYNDROME, TYPE I; Marfan syndrome type 1; Marfan's syndrome; Marfan syndrome, classic; FBN1-Related Marfan Syndrome. Identifiers: Orphanet 284963, Orphanet 558, MedGen C0024796, MONDO:0007947, OMIM 154700.
Familial thoracic aortic aneurysm and aortic dissection (TAAD). Also called: Thoracic aortic aneurysms and dissections. Identifiers: Orphanet 91387, MedGen C4707243, MONDO:0019625.

Submission:

Labcorp Genetics (formerly Invitae), Labcorp
Classification: Pathogenic for Marfan syndrome; Familial thoracic aortic aneurysm and aortic dissection. Last evaluated: 2023-11-03. Review status: criteria provided, single submitter. Criteria: Invitae Variant Classification Sherloc (09022015). Collection method: clinical testing. Allele origin: germline.
Comment: This sequence change replaces glutamic acid, which is acidic and polar, with glutamine, which is neutral and polar, at codon 726 of the FBN1 protein (p.Glu726Gln). This variant is not present in population databases (gnomAD no frequency). This missense change has been observed in individual(s) with clinical features of Marfan syndrome (Invitae). In at least one individual the variant was observed to be de novo. ClinVar contains an entry for this variant (Variation ID: 1465947). Advanced modeling of protein sequence and biophysical properties (such as structural, functional, and spatial information, amino acid conservation, physicochemical variation, residue mobility, and thermodynamic stability) performed at Invitae indicates that this missense variant is expected to disrupt FBN1 protein function with a positive predictive value of 95%. This variant disrupts the p.Glu726 amino acid residue in FBN1. Other variant(s) that disrupt this residue have been observed in individuals with FBN1-related conditions (PMID: 19293843, 29357934, 29907982), which suggests that this may be a clinically significant amino acid residue. For these reasons, this variant has been classified as Pathogenic.

Literature cited by the submitters: PubMed 19293843; PubMed 29357934; PubMed 29907982.